The following is an entry in ClinVar:

ClinVar aggregate classification (germline): Uncertain significance. Review status: criteria provided, multiple submitters, no conflicts (2 of 4 stars). 2 submissions from 2 submitters: Uncertain significance (2). Last evaluated 2021-09-10.

Conditions:
Hereditary cancer-predisposing syndrome. Also called: Tumor predisposition; Neoplastic Syndromes, Hereditary; Hereditary Cancer Syndrome; Hereditary neoplastic syndrome. Identifiers: Orphanet 140162, MedGen C0027672, MeSH D009386, MONDO:0015356.

Submissions (2):

Ambry Genetics
Classification: Uncertain significance for Hereditary cancer-predisposing syndrome. Last evaluated: 2021-09-10. Review status: criteria provided, single submitter. Criteria: Ambry Variant Classification Scheme 2023. Collection method: clinical testing. Allele origin: germline.
Comment: The p.N39K variant (also known as c.117C>G), located in coding exon 1 of the CDKN2A gene, results from a C to G substitution at nucleotide position 117. The asparagine at codon 39 is replaced by lysine, an amino acid with similar properties. This amino acid position is well conserved in available vertebrate species. In addition, this alteration is predicted to be tolerated by in silico analysis. Since supporting evidence is limited at this time, the clinical significance of this alteration remains unclear.

Color Diagnostics, LLC DBA Color Health
Classification: Uncertain significance for Hereditary cancer-predisposing syndrome. Last evaluated: 2019-09-17. Review status: criteria provided, single submitter. Criteria: ACMG Guidelines, 2015. Collection method: clinical testing. Allele origin: germline.
Comment: This missense variant replaces asparagine with lysine at codon 39 of the CDKN2A (p16INK4A) protein. Computational prediction tool suggests that this variant may not impact protein structure and function (internally defined REVEL score threshold ≤0.5, PMID: 27666373). Splice site prediction tools suggest that this variant may not impact RNA splicing. To our knowledge, functional studies have not been performed for this variant. This variant has not been reported in individuals affected with hereditary cancer in the literature. This variant has not been identified in the general population by the Genome Aggregation Database (gnomAD). The available evidence is insufficient to determine the role of this variant in disease conclusively. Therefore, this variant is classified as a Variant of Uncertain Significance.

NM_000077.5(CDKN2A):c.117C>G (p.Asn39Lys)

Gene: CDKN2A (cyclin dependent kinase inhibitor 2A; minus strand). Cytogenetic location: 9p21.3.
Variant type: single nucleotide variant.
Coding change: c.117C>G on transcript NM_000077.5; coding-DNA position 117, C replaced by G.
Protein change: p.Asn39Lys; replaces asparagine 39 with lysine.
Molecular consequence: missense variant (on NM_000077.6). On other transcripts: intron variant (2).
Genome position (GRCh38, 1-based): chr9:21,974,711, G>C on the plus strand (C>G on the coding strand, the complement: CDKN2A is on the minus strand). VCF-style: chr9-21974711-G-C. GRCh37 (hg19) VCF-style: chr9-21974710-G-C.
Other names: c.117C>G, p.Asn39Lys (NM_000077.6, NM_001195132.2, NM_058197.5); c.-3-3503C>G (NM_001363763.2); c.194-3503C>G (NM_058195.4); short protein forms N39K.
Identifiers: ClinVar variation 629162 (VCV000629162.6), dbSNP rs864622439, ClinGen allele CA373086536.